The following is an entry in ClinVar:

ClinVar aggregate classification (germline): Likely pathogenic (1 of 4 stars; one submission).

Conditions:
Ataxia-telangiectasia syndrome (AT). Also called: LOUIS-BAR SYNDROME; Ataxia-telangiectasia, complementation group D; AT, COMPLEMENTATION GROUP C; ATAXIA-TELANGIECTASIA, COMPLEMENTATION GROUP A; ATAXIA-TELANGIECTASIA, FRESNO VARIANT; Ataxia-telangiectasia. Identifiers: Orphanet 100, MedGen C0004135, MONDO:0008840, OMIM 208900.
Familial cancer of breast. Also called: hereditary breast carcinoma; Hereditary breast cancer; BREAST CANCER, FAMILIAL. Identifiers: Orphanet 227535, MedGen C0346153, MONDO:0016419, OMIM 114480. Disease mechanism: loss of function.

Submission:

Juno Genomics, Hangzhou Juno Genomics, Inc
Classification: Likely pathogenic for Familial cancer of breast; Ataxia-telangiectasia syndrome. Review status: criteria provided, single submitter. Criteria: ACMG Guidelines, 2015. Collection method: clinical testing. Allele origin: germline.
Comment: Null variant in a gene where loss of function (LOF) is a known mechanism of disease.;Absent from controls (or at extremely low frequency if recessive) in Genome Aggregation Database.

NM_000051.4(ATM):c.1449_1450del (p.Trp484fs)

Gene: ATM (ATM serine/threonine kinase; plus strand). Cytogenetic location: 11q22.3.
Variant type: Microsatellite.
Coding change: c.1449_1450del on transcript NM_000051.4 (MANE Select); coding-DNA positions 1449 to 1450, 2 bases deleted (CT; older notation c.1449_1450delCT).
Protein change: p.Trp484fs; shifts the reading frame from tryptophan 484.
Molecular consequence: frameshift variant.
Genome position (GRCh38, 1-based): chr11:108,250,914-108,250,915, CT deleted; deleting any 2 consecutive bases within chr11:108,250,912-108,250,915 gives the same sequence; the c. name uses the placement nearest the transcript's 3' end. VCF-style (leftmost placement, unchanged base first): chr11-108250911-ACT-A. GRCh37 (hg19) VCF-style: chr11-108121638-ACT-A.
Other names: c.1449_1450del, p.Trp484fs (NM_001351834.2); short protein forms W484fs.
Identifiers: ClinVar variation 5007765 (VCV005007765.2).